The following is an entry in ClinVar:

NM_000744.7(CHRNA4):c.228+6T>A

Gene: CHRNA4 (cholinergic receptor nicotinic alpha 4 subunit; minus strand). Cytogenetic location: 20q13.33.
Variant type: single nucleotide variant.
Coding change: c.228+6T>A on transcript NM_000744.7 (MANE Select); 6 bases into the intron after coding-DNA position 228, T replaced by A.
Molecular consequence: intron variant.
Genome position (GRCh38, 1-based): chr20:63,359,542, A>T on the plus strand (T>A on the coding strand, the complement: CHRNA4 is on the minus strand). VCF-style: chr20-63359542-A-T. GRCh37 (hg19) VCF-style: chr20-61990894-A-T.
Other names: c.-319+6T>A (NM_001256573.2).
Identifiers: ClinVar variation 2168612 (VCV002168612.4), dbSNP rs367917715, ClinGen allele CA317445881.

ClinVar aggregate classification (germline): Uncertain significance (1 of 4 stars; one submission).

Conditions:
Familial sleep-related hypermotor epilepsy. Also called: Autosomal Dominant Sleep-Related Hypermotor (Hyperkinetic) Epilepsy. Identifiers: Orphanet 98784, MedGen C3696898, MONDO:0000030.

gnomAD v4.1: 1 of 1,612,438 alleles (0.000062%); highest among the groups gnomAD compares: African/African-American, 0.0013%; no homozygotes.

Submission:

Labcorp Genetics (formerly Invitae), Labcorp
Classification: Uncertain significance. Last evaluated: 2022-09-13. Review status: criteria provided, single submitter. Criteria: Invitae Variant Classification Sherloc (09022015). Collection method: clinical testing. Allele origin: germline.
Comment: This sequence change falls in intron 2 of the CHRNA4 gene. It does not directly change the encoded amino acid sequence of the CHRNA4 protein. It affects a nucleotide within the consensus splice site. This variant is present in population databases (no rsID available, gnomAD 0.01%). This variant has not been reported in the literature in individuals affected with CHRNA4-related conditions. Variants that disrupt the consensus splice site are a relatively common cause of aberrant splicing (PMID: 17576681, 9536098). Algorithms developed to predict the effect of sequence changes on RNA splicing suggest that this variant may disrupt the consensus splice site. In summary, the available evidence is currently insufficient to determine the role of this variant in disease. Therefore, it has been classified as a Variant of Uncertain Significance.

Literature cited by the submitters: PubMed 17576681; PubMed 9536098.